The following is an entry in ClinVar:

ClinVar aggregate classification (germline): Uncertain significance (1 of 4 stars; one submission).

Conditions:
Glycogen storage disease, type VII (GSD7). Also called: PFKM DEFICIENCY; TARUI DISEASE; GSD VII; MUSCLE PHOSPHOFRUCTOKINASE DEFICIENCY. Identifiers: Orphanet 371, MedGen C0017926, MONDO:0009295, OMIM 232800.

Allele frequency attached by ClinVar (database versions not stated): gnomAD 0.00001 and 0.00002; TOPMed 0.00002; 1000 Genomes Project 30x 0.00016; 1000 Genomes Project 0.00020.

Submission:

Labcorp Genetics (formerly Invitae), Labcorp
Classification: Uncertain significance for Glycogen storage disease, type VII. Last evaluated: 2021-12-08. Review status: criteria provided, single submitter. Criteria: Invitae Variant Classification Sherloc (09022015). Collection method: clinical testing. Allele origin: germline.
Comment: This sequence change replaces valine, which is neutral and non-polar, with isoleucine, which is neutral and non-polar, at codon 780 of the PFKM protein (p.Val780Ile). This variant is present in population databases (rs537327893, gnomAD 0.002%). This variant has not been reported in the literature in individuals affected with PFKM-related conditions. Algorithms developed to predict the effect of missense changes on protein structure and function output the following: SIFT: "Tolerated"; PolyPhen-2: "Benign"; Align-GVGD: "Class C0". The isoleucine amino acid residue is found in multiple mammalian species, which suggests that this missense change does not adversely affect protein function. In summary, the available evidence is currently insufficient to determine the role of this variant in disease. Therefore, it has been classified as a Variant of Uncertain Significance.

NM_000289.6(PFKM):c.2338G>A (p.Val780Ile)

Gene: PFKM (phosphofructokinase, muscle; plus strand). Cytogenetic location: 12q13.11.
Variant type: single nucleotide variant.
Coding change: c.2338G>A on transcript NM_000289.6 (MANE Select); coding-DNA position 2338, G replaced by A.
Protein change: p.Val780Ile; replaces valine 780 with isoleucine.
Molecular consequence: missense variant. On other transcripts: non-coding transcript variant (6).
Genome position (GRCh38, 1-based): chr12:48,145,703, G>A. VCF-style: chr12-48145703-G-A. GRCh37 (hg19) VCF-style: chr12-48539486-G-A.
Other names: c.2551G>A, p.Val851Ile (NM_001166686.2, NM_001354737.1, NM_001354738.1 and 1 more transcripts); c.2338G>A, p.Val780Ile (NM_001166687.2, NM_001166688.2, NM_001354742.2 and 2 more transcripts); c.2647G>A, p.Val883Ile (NM_001354735.1, NM_001354736.1); c.2482G>A, p.Val828Ile (NM_001354740.1); c.2362G>A, p.Val788Ile (NM_001354741.2); c.2251G>A, p.Val751Ile (NM_001354745.2); c.2212G>A, p.Val738Ile (NM_001354746.2); c.2188G>A, p.Val730Ile (NM_001354747.2, NM_001354748.2); and 1 more; short protein forms V738I, V751I, V780I, V851I, V730I, V788I, V828I, V883I.
Identifiers: ClinVar variation 1357254 (VCV001357254.3), dbSNP rs537327893, ClinGen allele CA236520108.